The following is an entry in ClinVar:

ClinVar aggregate classification (germline): Likely pathogenic. Review status: criteria provided, multiple submitters, no conflicts (2 of 4 stars). 2 submissions from 2 submitters: Likely pathogenic (2). Last evaluated 2026-08-06.

Conditions:
Intellectual developmental disorder, autosomal recessive 2. Also called: MENTAL RETARDATION, AUTOSOMAL RECESSIVE 2A; Intellectual disability, autosomal recessive 2. Identifiers: Orphanet 88616, MedGen C1843942, MONDO:0011828, OMIM 607417.

Submissions (2):

OLLIN Analises Genomicas, OLLIN
Classification: Likely pathogenic for Intellectual developmental disorder, autosomal recessive 2. Last evaluated: 2026-08-06. Review status: criteria provided, single submitter. Criteria: ACMG Guidelines 2015 PMID 25741868. Collection method: clinical testing. Allele origin: germline. Inheritance: Autosomal recessive inheritance.
Comment: This nonsense variant, located in exon 2 (of 11), is absent from gnomAD and has not been identified in the literature. However, it has been reported in ClinVar (accession VCV001690413.2). This variant introduces a premature stop codon, which is predicted to result in either a truncated protein or degradation of the mRNA via nonsense-mediated decay (NMD). According to the currently available evidence, this variant has been classified as likely pathogenic (PVS1, PM2_P).

Laboratorio de Genetica e Diagnostico Molecular, Hospital Israelita Albert Einstein
Classification: Likely pathogenic. Last evaluated: 2021-07-08. Review status: criteria provided, single submitter. Criteria: ACMG Guidelines, 2015. Collection method: clinical testing. Allele origin: germline. Affected: yes.
Comment: ACMG classification criteria: PVS1, PM2

NM_016302.4(CRBN):c.124A>T (p.Lys42Ter)

Gene: CRBN (cereblon; minus strand). Cytogenetic location: 3p26.2.
Variant type: single nucleotide variant.
Coding change: c.124A>T on transcript NM_016302.4 (MANE Select); coding-DNA position 124, A replaced by T.
Protein change: p.Lys42Ter; replaces lysine 42 with a stop codon.
Molecular consequence: nonsense.
Genome position (GRCh38, 1-based): chr3:3,175,213, T>A on the plus strand (A>T on the coding strand, the complement: CRBN is on the minus strand). VCF-style: chr3-3175213-T-A. GRCh37 (hg19) VCF-style: chr3-3216897-T-A.
Other names: c.121A>T, p.Lys41Ter (NM_001173482.1); short protein forms K41*, K42*.
Identifiers: ClinVar variation 1690413 (VCV001690413.3), dbSNP rs2126069389, ClinGen allele CA351453792.